The following is an entry in ClinVar:

NM_020312.4(COQ9):c.835G>A (p.Asp279Asn)

Gene: COQ9 (coenzyme Q9; plus strand). Cytogenetic location: 16q21.
Variant type: single nucleotide variant.
Coding change: c.835G>A on transcript NM_020312.4 (MANE Select); coding-DNA position 835, G replaced by A.
Protein change: p.Asp279Asn; replaces aspartic acid 279 with asparagine.
Molecular consequence: missense variant.
Genome position (GRCh38, 1-based): chr16:57,459,688, G>A. VCF-style: chr16-57459688-G-A. GRCh37 (hg19) VCF-style: chr16-57493600-G-A.
Other names: p.D279N:GAT>AAT; p.Asp279Asn; short protein forms D279N.
Identifiers: ClinVar variation 214243 (VCV000214243.44), dbSNP rs76508383, ClinGen allele CA323478.

ClinVar aggregate classification (germline): Conflicting classifications of pathogenicity. Review status: criteria provided, conflicting classifications (1 of 4 stars). 11 submissions from 11 submitters: Uncertain significance (2); Benign (1); Likely benign (5). 3 of the submissions do not count toward it. Last evaluated 2026-08-01.

Conditions:
COQ9-related disorder. Also called: COQ9-related condition.
Encephalopathy-hypertrophic cardiomyopathy-renal tubular disease syndrome. Identifiers: Orphanet 319678, MedGen C3553374, MONDO:0013840, OMIM 614654.
Leigh syndrome (NULS). Also called: Leigh Disease; Subacute necrotizing encephalopathy; Necrotizing encephalopathy infantile subacute of Leigh; Leigh's syndrome; LEIGH SYNDROME, NUCLEAR; Leigh Syndrome (mtDNA deletion). Identifiers: Orphanet 506, MedGen C2931891, MONDO:0009723, OMIM 256000.

Allele frequency attached by ClinVar (database versions not stated): 1000 Genomes Project 0.00080; 1000 Genomes Project 30x 0.00156; ESP Exome Variant Server 0.00215; ExAC 0.00217; gnomAD exomes 0.00233 and 0.00392; TOPMed 0.00258; gnomAD 0.00274 and 0.00282.
gnomAD v4.1: 6,087 of 1,614,212 alleles (0.38%); highest among the groups gnomAD compares: Non-Finnish European, 0.47%; 16 homozygotes.

Submissions (11):

CeGaT Center for Human Genetics Tuebingen
Classification: Likely benign. Last evaluated: 2026-08-01. Review status: criteria provided, single submitter. Criteria: CeGaT Center For Human Genetics Tuebingen Variant Classification Criteria Version 2. Collection method: clinical testing. Allele origin: germline. Affected: yes. Observed: 4 variant alleles.
Comment: COQ9: BS2

Labcorp Genetics (formerly Invitae), Labcorp
Classification: Likely benign. Last evaluated: 2026-02-02. Review status: criteria provided, single submitter. Criteria: Invitae Variant Classification Sherloc (09022015). Collection method: clinical testing. Allele origin: germline.

Blueprint Genetics
Classification: Likely benign. Last evaluated: 2024-11-20. Review status: criteria provided, single submitter. Criteria: ACMG Guidelines, 2015. Collection method: clinical testing. Allele origin: germline.

Mayo Clinic Laboratories, Mayo Clinic
Classification: Likely benign. Last evaluated: 2024-07-18. Review status: criteria provided, single submitter. Criteria: ACMG Guidelines, 2015. Collection method: clinical testing. Allele origin: germline. Observed: 8 variant alleles.
Comment: BS1, BP4

GeneDx
Classification: Likely benign. Last evaluated: 2021-04-22. Review status: criteria provided, single submitter. Criteria: GeneDx Variant Classification Process June 2021. Collection method: clinical testing. Allele origin: germline. Affected: yes.

Department of Pathology and Laboratory Medicine, Sinai Health System
Classification: Benign for Leigh syndrome. Last evaluated: 2020-06-24. Review status: criteria provided, single submitter. Criteria: ACMG Guidelines, 2015. Collection method: research. Allele origin: germline.

Illumina Laboratory Services, Illumina
Classification: Uncertain significance for Encephalopathy-hypertrophic cardiomyopathy-renal tubular disease syndrome. Last evaluated: 2018-01-12. Review status: criteria provided, single submitter. Criteria: ICSL Variant Classification Criteria 13 December 2019. Collection method: clinical testing. Allele origin: germline.

Center for Pediatric Genomic Medicine, Children's Mercy Hospital and Clinics
Classification: Uncertain significance. Last evaluated: 2017-01-26. Review status: criteria provided, single submitter. Criteria: ACMG Guidelines, 2015. Collection method: clinical testing. Allele origin: germline.
ClinVar note: Converted during submission from Uncertain Significance to Uncertain significance.

PreventionGenetics, part of Exact Sciences
Classification: Likely benign for COQ9-related condition. Last evaluated: 2022-05-25. Review status: no assertion criteria provided. Collection method: clinical testing. Allele origin: germline. Not counted in ClinVar's aggregate classification.
Comment: This variant is classified as likely benign based on ACMG/AMP sequence variant interpretation guidelines (Richards et al. 2015 PMID: 25741868, with internal and published modifications).

Clinical Genetics DNA and cytogenetics Diagnostics Lab, Erasmus MC, Erasmus Medical Center
Classification: Likely benign. Review status: no assertion criteria provided. Collection method: clinical testing. Allele origin: germline. Affected: yes. Study: VKGL Data-share Consensus. Not counted in ClinVar's aggregate classification.

Genome Diagnostics Laboratory, University Medical Center Utrecht
Classification: Likely benign. Review status: no assertion criteria provided. Collection method: clinical testing. Allele origin: germline. Affected: yes. Study: VKGL Data-share Consensus. Not counted in ClinVar's aggregate classification.